The following is an entry in ClinVar:

NM_198994.3(TGM6):c.621C>A (p.Asp207Glu)

Gene: TGM6 (transglutaminase 6; plus strand). Cytogenetic location: 20p13.
Variant type: single nucleotide variant.
Coding change: c.621C>A on transcript NM_198994.3 (MANE Select); coding-DNA position 621, C replaced by A.
Protein change: p.Asp207Glu; replaces aspartic acid 207 with glutamic acid.
Molecular consequence: missense variant.
Genome position (GRCh38, 1-based): chr20:2,397,995, C>A. VCF-style: chr20-2397995-C-A. GRCh37 (hg19) VCF-style: chr20-2378641-C-A.
Other names: c.621C>A, p.Asp207Glu (NM_001254734.2); short protein forms D207E.
Identifiers: ClinVar variation 805665 (VCV000805665.8), dbSNP rs148696208, ClinGen allele CA9731738.

ClinVar aggregate classification (germline): Conflicting classifications of pathogenicity. Review status: criteria provided, conflicting classifications (1 of 4 stars). 3 submissions from 3 submitters: Uncertain significance (2); Likely benign (1). Last evaluated 2023-05-31.

Conditions:
Spinocerebellar ataxia type 35. Identifiers: Orphanet 276193, MedGen C3888031, MONDO:0013485, OMIM 613908.

Allele frequency attached by ClinVar (database versions not stated): gnomAD 0.00003; ESP Exome Variant Server 0.00008.
gnomAD v4.1: 20 of 1,614,042 alleles (0.0012%); highest among the groups gnomAD compares: African/African-American, 0.004%; no homozygotes.

Submissions (3):

Labcorp Genetics (formerly Invitae), Labcorp
Classification: Uncertain significance. Last evaluated: 2023-05-31. Review status: criteria provided, single submitter. Criteria: Invitae Variant Classification Sherloc (09022015). Collection method: clinical testing. Allele origin: germline.
Comment: This sequence change replaces aspartic acid, which is acidic and polar, with glutamic acid, which is acidic and polar, at codon 207 of the TGM6 protein (p.Asp207Glu). This variant is present in population databases (rs148696208, gnomAD 0.01%). This variant has not been reported in the literature in individuals affected with TGM6-related conditions. ClinVar contains an entry for this variant (Variation ID: 805665). Advanced modeling of protein sequence and biophysical properties (such as structural, functional, and spatial information, amino acid conservation, physicochemical variation, residue mobility, and thermodynamic stability) performed at Invitae indicates that this missense variant is not expected to disrupt TGM6 protein function. In summary, the available evidence is currently insufficient to determine the role of this variant in disease. Therefore, it has been classified as a Variant of Uncertain Significance.

Athena Diagnostics
Classification: Uncertain significance. Last evaluated: 2019-05-14. Review status: criteria provided, single submitter. Criteria: Athena Diagnostics Criteria. Collection method: clinical testing. Allele origin: germline.

Illumina Laboratory Services, Illumina
Classification: Likely benign for Spinocerebellar ataxia type 35. Last evaluated: 2018-01-13. Review status: criteria provided, single submitter. Criteria: ICSL Variant Classification Criteria 13 December 2019. Collection method: clinical testing. Allele origin: germline.
Comment: This variant was observed in the ICSL laboratory as part of a predisposition screen in an ostensibly healthy population. It had not been previously curated by ICSL or reported in the Human Gene Mutation Database (HGMD: prior to June 1st, 2018), and was therefore a candidate for classification through an automated scoring system. Utilizing variant allele frequency, disease prevalence and penetrance estimates, and inheritance mode, an automated score was calculated to assess if this variant is too frequent to cause the disease. Based on the score and internal cut-off values, a variant classified as likely benign is not then subjected to further curation. The score for this variant resulted in a classification of likely benign for this disease.